The following is an entry in ClinVar:

ClinVar aggregate classification (germline): Uncertain significance (1 of 4 stars; one submission).

Submission:

Labcorp Genetics (formerly Invitae), Labcorp
Classification: Uncertain significance. Last evaluated: 2022-10-30. Review status: criteria provided, single submitter. Criteria: Invitae Variant Classification Sherloc (09022015). Collection method: clinical testing. Allele origin: germline.
Comment: This sequence change replaces proline, which is neutral and non-polar, with leucine, which is neutral and non-polar, at codon 943 of the POLE protein (p.Pro943Leu). This variant is not present in population databases (gnomAD no frequency). This variant has not been reported in the literature in individuals affected with POLE-related conditions. Advanced modeling of protein sequence and biophysical properties (such as structural, functional, and spatial information, amino acid conservation, physicochemical variation, residue mobility, and thermodynamic stability) performed at Invitae indicates that this missense variant is expected to disrupt POLE protein function. In summary, the available evidence is currently insufficient to determine the role of this variant in disease. Therefore, it has been classified as a Variant of Uncertain Significance.

NM_006231.4(POLE):c.2828C>T (p.Pro943Leu)

Gene: POLE (DNA polymerase epsilon, catalytic subunit; minus strand). Cytogenetic location: 12q24.33.
Variant type: single nucleotide variant.
Coding change: c.2828C>T on transcript NM_006231.4 (MANE Select); coding-DNA position 2828, C replaced by T.
Protein change: p.Pro943Leu; replaces proline 943 with leucine.
Molecular consequence: missense variant.
Genome position (GRCh38, 1-based): chr12:132,661,563, G>A on the plus strand (C>T on the coding strand, the complement: POLE is on the minus strand). VCF-style: chr12-132661563-G-A. GRCh37 (hg19) VCF-style: chr12-133238149-G-A.
Other names: short protein forms P943L.
Identifiers: ClinVar variation 2914982 (VCV002914982.3), dbSNP rs2135948294, ClinGen allele CA387393655.